The following is an entry in ClinVar:

ClinVar aggregate classification (germline): Uncertain significance (1 of 4 stars; one submission).

Submission:

GeneDx
Classification: Uncertain significance. Last evaluated: 2023-06-13. Review status: criteria provided, single submitter. Criteria: GeneDx Variant Classification Process June 2021. Collection method: clinical testing. Allele origin: germline. Affected: yes.
Comment: Not observed at significant frequency in large population cohorts (gnomAD); In silico analysis supports that this missense variant has a deleterious effect on protein structure/function; Has not been previously published as pathogenic or benign to our knowledge

NM_001128840.3(CACNA1D):c.3745A>G (p.Thr1249Ala)

Gene: CACNA1D (calcium voltage-gated channel subunit alpha1 D; plus strand). Cytogenetic location: 3p21.1.
Variant type: single nucleotide variant.
Coding change: c.3745A>G on transcript NM_001128840.3 (MANE Select); coding-DNA position 3745, A replaced by G.
Protein change: p.Thr1249Ala; replaces threonine 1249 with alanine.
Molecular consequence: missense variant.
Genome position (GRCh38, 1-based): chr3:53,753,641, A>G. VCF-style: chr3-53753641-A-G. GRCh37 (hg19) VCF-style: chr3-53787668-A-G.
Other names: c.3805A>G, p.Thr1269Ala (NM_000720.4); c.3745A>G, p.Thr1249Ala (NM_001128839.3); short protein forms T1249A, T1269A.
Identifiers: ClinVar variation 3359677 (VCV003359677.1).
Genomic context (GRCh38, chr3:53,753,641, plus strand): 5'-CAGTCCAAGATGTTCAATGATGCCATGGACATTCTGAACATGGTCTTCACCGGGGTGTTC[A>G]CCGTCGAGATGGTTTTGAAAGTCATCGCATTTAAGCCTAAGGTGAGTTGCAGAACCCACT-3'
Protein context (NP_001122312.1, residues 1239-1259): ILNMVFTGVF[Thr1249Ala]VEMVLKVIAF